The following is an entry in ClinVar:

NM_001367624.2(ZNF469):c.290C>T (p.Pro97Leu)

Gene: ZNF469 (zinc finger protein 469; plus strand). Cytogenetic location: 16q24.2.
Variant type: single nucleotide variant.
Coding change: c.290C>T on transcript NM_001367624.2 (MANE Select); coding-DNA position 290, C replaced by T.
Protein change: p.Pro97Leu; replaces proline 97 with leucine.
Molecular consequence: missense variant.
Genome position (GRCh38, 1-based): chr16:88,427,760, C>T. VCF-style: chr16-88427760-C-T. GRCh37 (hg19) VCF-style: chr16-88494168-C-T.
Other names: NM_001127464.1:c.290C>T; NM_001127464.2:c.290C>T; short protein forms P97L.
Identifiers: ClinVar variation 126923 (VCV000126923.11), dbSNP rs273585617, ClinGen allele CA151285.

ClinVar aggregate classification (germline): Uncertain significance. Review status: criteria provided, multiple submitters, no conflicts (2 of 4 stars). 6 submissions from 6 submitters: Uncertain significance (5). 1 of the submissions does not count toward it. Last evaluated 2026-05-18.

Conditions:
ZNF469-related disorder. Also called: ZNF469-related condition.
Cardiovascular phenotype. Identifiers: MedGen CN230736.
Keratoconus 1 (KTCN1). Identifiers: MedGen C1835677, MONDO:0007851, OMIM 148300.

Allele frequency attached by ClinVar (database versions not stated): TOPMed 0.00003; gnomAD 0.00004; gnomAD exomes 0.00004.
gnomAD v4.1: 75 of 1,544,708 alleles (0.0049%); highest among the groups gnomAD compares: Non-Finnish European, 0.006%; no homozygotes.

Submissions (6):

PreventionGenetics, part of Exact Sciences
Classification: Uncertain significance for ZNF469-related condition. Last evaluated: 2026-05-18. Review status: criteria provided, single submitter. Criteria: ACMG Guidelines, 2015. Collection method: clinical testing. Allele origin: germline.
Comment: The ZNF469 c.290C>T variant is predicted to result in the amino acid substitution p.Pro97Leu. This variant was reported in an individual with keratoconus (Lechner et al. 2014. PubMed ID: 24895405). This variant is reported in 0.0091% of alleles in individuals of European (Non-Finnish) descent in gnomAD. At this time, the clinical significance of this variant is uncertain due to the absence of conclusive functional and genetic evidence.

Women's Health and Genetics/Laboratory Corporation of America, LabCorp
Classification: Uncertain significance. Last evaluated: 2026-03-24. Review status: criteria provided, single submitter. Criteria: LabCorp Variant Classification Summary - May 2015. Collection method: clinical testing. Allele origin: germline.
Comment: Variant summary: ZNF469 c.290C>T (p.Pro97Leu) results in a non-conservative amino acid change in the encoded protein sequence. Algorithms developed to predict the effect of missense changes on protein structure and function are either unavailable or do not agree on the potential impact of this missense change. The variant allele was found at a frequency of 3.6e-05 in 138202 control chromosomes (gnomAD). The available data on variant occurrences in the general population are insufficient to allow any conclusion about variant significance. c.290C>T has been reported in the literature in at least one individual affected with keratoconus (e.g. Lechner_2014). This report does not provide unequivocal conclusions about association of the variant with Brittle Cornea Syndrome 1. To our knowledge, no experimental evidence demonstrating an impact on protein function has been reported. The following publication have been ascertained in the context of this evaluation (PMID: 24895405). ClinVar contains an entry for this variant (Variation ID: 126923). Based on the evidence outlined above, the variant was classified as uncertain significance.

GeneDx
Classification: Uncertain significance. Last evaluated: 2024-09-04. Review status: criteria provided, single submitter. Criteria: GeneDx Variant Classification Process June 2021. Collection method: clinical testing. Allele origin: germline. Affected: yes.
Comment: Not observed at significant frequency in large population cohorts (gnomAD); In silico analysis supports that this missense variant has a deleterious effect on protein structure/function; Reported in an individual with keratoconus (PMID: 24895405); This variant is associated with the following publications: (PMID: 34426522, 24895405)

Labcorp Genetics (formerly Invitae), Labcorp
Classification: Uncertain significance. Last evaluated: 2022-07-15. Review status: criteria provided, single submitter. Criteria: Invitae Variant Classification Sherloc (09022015). Collection method: clinical testing. Allele origin: germline.
Comment: This sequence change replaces proline, which is neutral and non-polar, with leucine, which is neutral and non-polar, at codon 97 of the ZNF469 protein (p.Pro97Leu). This variant is present in population databases (rs273585617, gnomAD 0.01%). This missense change has been observed in individual(s) with clinical features of ZNF469-related conditions (PMID: 24895405). ClinVar contains an entry for this variant (Variation ID: 126923). Algorithms developed to predict the effect of missense changes on protein structure and function output the following: SIFT: "Deleterious"; PolyPhen-2: "Probably Damaging"; Align-GVGD: "Class C0". The leucine amino acid residue is found in multiple mammalian species, which suggests that this missense change does not adversely affect protein function. In summary, the available evidence is currently insufficient to determine the role of this variant in disease. Therefore, it has been classified as a Variant of Uncertain Significance.

Ambry Genetics
Classification: Uncertain significance for Cardiovascular phenotype. Last evaluated: 2021-04-27. Review status: criteria provided, single submitter. Criteria: Ambry Variant Classification Scheme 2023. Collection method: clinical testing. Allele origin: germline.
Comment: The p.P97L variant (also known as c.290C>T), located in coding exon 1 of the ZNF469 gene, results from a C to T substitution at nucleotide position 290. The proline at codon 97 is replaced by leucine, an amino acid with similar properties. This alteration has been reported in a keratoconus cohort (Lechner J et al. Hum Mol Genet, 2014 Oct;23:5527-35). This amino acid position is poorly conserved in available vertebrate species. In addition, this alteration is predicted to be tolerated by in silico analysis. Since supporting evidence is limited at this time, the clinical significance of this alteration remains unclear.

Willoughby Group, Queen's University Belfast
Classification: Pathogenic for Keratoconus 1. Review status: no assertion criteria provided. Collection method: not provided. Allele origin: germline. Not counted in ClinVar's aggregate classification.
ClinVar note: Converted during submission from pathogenic to Pathogenic.

Literature cited by the submitters: PubMed 24895405 (cited by 3 submitters).